The following is an entry in ClinVar:

ClinVar aggregate classification (germline): Benign. Review status: criteria provided, multiple submitters, no conflicts (2 of 4 stars). 3 submissions from 3 submitters: Benign (3). Last evaluated 2026-01-14.

Allele frequency attached by ClinVar (database versions not stated): gnomAD 0.01373 and 0.01497; 1000 Genomes Project 0.01518; 1000 Genomes Project 30x 0.01562; TOPMed 0.01600; gnomAD exomes 0.00138 and 0.00371; ExAC 0.00463; ESP Exome Variant Server 0.01791.
gnomAD v4.1: 4,188 of 1,613,226 alleles (0.26%); highest among the groups gnomAD compares: African/African-American, 4.8%; 87 homozygotes.

Submissions (3):

Labcorp Genetics (formerly Invitae), Labcorp
Classification: Benign. Last evaluated: 2026-01-14. Review status: criteria provided, single submitter. Criteria: Invitae Variant Classification Sherloc (09022015). Collection method: clinical testing. Allele origin: germline.

GeneDx
Classification: Benign. Last evaluated: 2016-04-12. Review status: criteria provided, single submitter. Criteria: GeneDx Variant Classification (06012015). Collection method: clinical testing. Allele origin: germline. Affected: yes.
Comment: This variant is considered likely benign or benign based on one or more of the following criteria: it is a conservative change, it occurs at a poorly conserved position in the protein, it is predicted to be benign by multiple in silico algorithms, and/or has population frequency not consistent with disease.

Breakthrough Genomics
Classification: Benign. Review status: criteria provided, single submitter. Criteria: ACMG Guidelines, 2015. Collection method: not provided. Allele origin: germline. Inheritance: Autosomal recessive inheritance. Affected: yes.

NM_002291.3(LAMB1):c.1137G>A (p.Pro379=)

Gene: LAMB1 (laminin subunit beta 1; minus strand). Cytogenetic location: 7q31.1.
Variant type: single nucleotide variant.
Coding change: c.1137G>A on transcript NM_002291.3 (MANE Select); coding-DNA position 1137, G replaced by A.
Protein change: p.Pro379=; no amino-acid change (proline 379 retained).
Molecular consequence: synonymous variant.
Genome position (GRCh38, 1-based): chr7:107,975,741, C>T on the plus strand (G>A on the coding strand, the complement: LAMB1 is on the minus strand). VCF-style: chr7-107975741-C-T. GRCh37 (hg19) VCF-style: chr7-107616186-C-T.
Identifiers: ClinVar variation 384932 (VCV000384932.12), dbSNP rs55675243, ClinGen allele CA4436105.